The following is an entry in ClinVar:

ClinVar aggregate classification (germline): Pathogenic (1 of 4 stars; one submission).

Submission:

ARUP Laboratories, Molecular Genetics and Genomics, ARUP Laboratories
Classification: Pathogenic. Last evaluated: 2024-09-30. Review status: criteria provided, single submitter. Criteria: ARUP Molecular Germline Variant Investigation Process 2024. Collection method: clinical testing. Allele origin: germline.
Comment: The SOX9 c.600del; p.Asn201ThrfsTer18 variant, also known as 972delC, is reported in the literature in an individual affected with campomelic dysplasia (Cost 2009). This variant is absent from the Genome Aggregation Database (v2.1.1), indicating it is not a common polymorphism. This variant causes a frameshift by deleting a single nucleotide, so it is predicted to result in a truncated protein or mRNA subject to nonsense-mediated decay. Additionally, several downstream truncating variants have been described in individuals with campomelic dysplasia and are considered pathogenic (Cost 2009). Based on available information, this variant is considered to be pathogenic. References: Cost NG et al. A novel SOX9 mutation, 972delC, causes 46,XY sex-reversed campomelic dysplasia with nephrocalcinosis, urolithiasis, and dysgerminoma. J Pediatr Surg. 2009 Feb;44(2):451-4. PMID: 19231556.

NM_000346.4(SOX9):c.600del (p.Asn201fs)

Gene: SOX9 (SRY-box transcription factor 9; plus strand). Cytogenetic location: 17q24.3.
Variant type: Deletion.
Coding change: c.600del on transcript NM_000346.4 (MANE Select); coding-DNA position 600, one base deleted (C; older notation c.600delC).
Protein change: p.Asn201fs; shifts the reading frame from asparagine 201.
Molecular consequence: frameshift variant.
Genome position (GRCh38, 1-based): chr17:72,122,887, C deleted; the last of 5 consecutive C bases (chr17:72,122,883-72,122,887); deleting any one gives the same sequence. VCF-style (leftmost placement, unchanged base first): chr17-72122882-TC-T. GRCh37 (hg19) VCF-style: chr17-70119023-TC-T.
Other names: short protein forms N201fs.
Identifiers: ClinVar variation 3766856 (VCV003766856.1).
Genomic context (GRCh38, chr17:72,122,882, plus strand): 5'-AGGAAGTCGGTGAAGAACGGGCAGGCGGAGGCAGAGGAGGCCACGGAGCAGACGCACATC[TC>T]CCCCAACGCCATCTTCAAGGCGCTGCAGGCCGACTCGCCACACTCCTCCTCCGGCATGAG-3'